The following is an entry in ClinVar:

ClinVar aggregate classification (germline): Uncertain significance. Review status: criteria provided, multiple submitters, no conflicts (2 of 4 stars). 3 submissions from 3 submitters: Uncertain significance (3). Last evaluated 2022-10-12.

Conditions:
Methylmalonic aciduria and homocystinuria type cblD (MAHCD). Also called: METHYLMALONIC ACIDEMIA, cblH TYPE; Methylmalonic aciduria with homocystinuria cblD type. Identifiers: Orphanet 622, Orphanet 79283, MedGen C1848552, MONDO:0010185, OMIM 277410.
Inborn genetic diseases. Identifiers: MedGen C0950123, MeSH D030342.

Allele frequency attached by ClinVar (database versions not stated): gnomAD 0.00001; gnomAD exomes 0.00005 and 0.00008; TOPMed 0.00005; ExAC 0.00008.

Submissions (3):

Labcorp Genetics (formerly Invitae), Labcorp
Classification: Uncertain significance for Methylmalonic aciduria and homocystinuria type cblD. Last evaluated: 2022-10-12. Review status: criteria provided, single submitter. Criteria: Invitae Variant Classification Sherloc (09022015). Collection method: clinical testing. Allele origin: germline.
Comment: This sequence change falls in intron 3 of the MMADHC gene. It does not directly change the encoded amino acid sequence of the MMADHC protein. It affects a nucleotide within the consensus splice site. This variant is present in population databases (rs773403678, gnomAD 0.06%). This variant has not been reported in the literature in individuals affected with MMADHC-related conditions. ClinVar contains an entry for this variant (Variation ID: 1496876). Variants that disrupt the consensus splice site are a relatively common cause of aberrant splicing (PMID: 17576681, 9536098). Algorithms developed to predict the effect of sequence changes on RNA splicing suggest that this variant is not likely to affect RNA splicing. In summary, the available evidence is currently insufficient to determine the role of this variant in disease. Therefore, it has been classified as a Variant of Uncertain Significance.

Revvity Omics, Revvity
Classification: Uncertain significance for Methylmalonic aciduria and homocystinuria type cblD. Last evaluated: 2022-04-15. Review status: criteria provided, single submitter. Criteria: ACMG Guidelines, 2015. Collection method: clinical testing. Allele origin: germline.

Ambry Genetics
Classification: Uncertain significance for Inborn genetic diseases. Last evaluated: 2021-01-08. Review status: criteria provided, single submitter. Criteria: Ambry Variant Classification Scheme 2023. Collection method: clinical testing. Allele origin: germline.
Comment: The c.155-3C>T intronic alteration consists of a C to T substitution 3 nucleotides before coding exon 3 in the MMADHC gene. Based on insufficient or conflicting evidence, the clinical significance of this alteration remains unclear.

Literature cited by the submitters: PubMed 17576681 (cited by Labcorp Genetics (formerly Invitae), Labcorp); PubMed 9536098 (cited by Labcorp Genetics (formerly Invitae), Labcorp).

NM_015702.3(MMADHC):c.155-3C>T

Gene: MMADHC (metabolism of cobalamin associated D; minus strand). Cytogenetic location: 2q23.2.
Variant type: single nucleotide variant.
Coding change: c.155-3C>T on transcript NM_015702.3 (MANE Select); 3 bases into the intron before coding-DNA position 155, C replaced by T.
Molecular consequence: intron variant.
Genome position (GRCh38, 1-based): chr2:149,579,651, G>A on the plus strand (C>T on the coding strand, the complement: MMADHC is on the minus strand). VCF-style: chr2-149579651-G-A. GRCh37 (hg19) VCF-style: chr2-150436165-G-A.
Other names: c.155-3C>T (NM_015702.2).
Identifiers: ClinVar variation 1496876 (VCV001496876.7), dbSNP rs773403678, ClinGen allele CA1902476.